The following is an entry in ClinVar:

ClinVar aggregate classification (germline): Uncertain significance. Review status: criteria provided, multiple submitters, no conflicts (2 of 4 stars). 4 submissions from 4 submitters: Uncertain significance (4). Last evaluated 2024-11-12.

Conditions:
Haddad syndrome (OHD). Also called: Ondine-Hirschsprung disease. Identifiers: Orphanet 99803, MedGen C1859049, MONDO:0020493.
Hereditary cancer-predisposing syndrome. Also called: Tumor predisposition; Hereditary neoplastic syndrome; Neoplastic Syndromes, Hereditary; Hereditary Cancer Syndrome. Identifiers: Orphanet 140162, MedGen C0027672, MeSH D009386, MONDO:0015356.

Submissions (4):

Ambry Genetics
Classification: Uncertain significance for Hereditary cancer-predisposing syndrome. Last evaluated: 2024-11-12. Review status: criteria provided, single submitter. Criteria: Ambry Variant Classification Scheme 2023. Collection method: clinical testing. Allele origin: germline.
Comment: The p.I283M variant (also known as c.849C>G), located in coding exon 3 of the PHOX2B gene, results from a C to G substitution at nucleotide position 849. The isoleucine at codon 283 is replaced by methionine, an amino acid with highly similar properties. This amino acid position is well conserved in available vertebrate species. In addition, the in silico prediction for this alteration is inconclusive. Based on the available evidence, the clinical significance of this variant remains unclear.

Labcorp Genetics (formerly Invitae), Labcorp
Classification: Uncertain significance for Haddad syndrome. Last evaluated: 2024-04-29. Review status: criteria provided, single submitter. Criteria: Invitae Variant Classification Sherloc (09022015). Collection method: clinical testing. Allele origin: germline.
Comment: This sequence change replaces isoleucine, which is neutral and non-polar, with methionine, which is neutral and non-polar, at codon 283 of the PHOX2B protein (p.Ile283Met). This variant is not present in population databases (gnomAD no frequency). This variant has not been reported in the literature in individuals affected with PHOX2B-related conditions. ClinVar contains an entry for this variant (Variation ID: 858558). Experimental studies and prediction algorithms are not available or were not evaluated, and the functional significance of this variant is currently unknown. In summary, the available evidence is currently insufficient to determine the role of this variant in disease. Therefore, it has been classified as a Variant of Uncertain Significance.

GeneDx
Classification: Uncertain significance. Last evaluated: 2022-05-06. Review status: criteria provided, single submitter. Criteria: GeneDx Variant Classification Process June 2021. Collection method: clinical testing. Allele origin: germline. Affected: yes.
Comment: Not observed at significant frequency in large population cohorts (gnomAD); In silico analysis supports that this missense variant does not alter protein structure/function; Has not been previously published as pathogenic or benign to our knowledge

Sema4
Classification: Uncertain significance for Hereditary cancer-predisposing syndrome. Last evaluated: 2021-10-25. Review status: criteria provided, single submitter. Criteria: Sema4 Curation Guidelines. Collection method: curation. Allele origin: germline.
Comment: The PHOX2B c.849C>G (p.I283M) variant has not been reported in the literature to our knowledge. It was not observed in the large and broad cohorts of the Genome Aggregation Database (PMID: 32461654). This variant has been reported in ClinVar (Variation ID: 858558). Functional studies have not been performed, and in silico predictions of the variant's effect on protein function are inconclusive. The evidence is insufficient to meet ACMG/AMP criteria for classifying the variant as benign or pathogenic. Thus, the clinical significance of this variant is currently uncertain.

NM_003924.4(PHOX2B):c.849C>G (p.Ile283Met)

Gene: PHOX2B (paired like homeobox 2B; minus strand). Cytogenetic location: 4p13.
Variant type: single nucleotide variant.
Coding change: c.849C>G on transcript NM_003924.4 (MANE Select); coding-DNA position 849, C replaced by G.
Protein change: p.Ile283Met; replaces isoleucine 283 with methionine.
Molecular consequence: missense variant.
Genome position (GRCh38, 1-based): chr4:41,745,903, G>C on the plus strand (C>G on the coding strand, the complement: PHOX2B is on the minus strand). VCF-style: chr4-41745903-G-C. GRCh37 (hg19) VCF-style: chr4-41747920-G-C.
Other names: short protein forms I283M.
Identifiers: ClinVar variation 858558 (VCV000858558.15), dbSNP rs1733869488, ClinGen allele CA356736998.